The following is an entry in ClinVar:

NM_000093.5(COL5A1):c.2034+24C>T

Gene: COL5A1 (collagen type V alpha 1 chain; plus strand). Cytogenetic location: 9q34.3.
Variant type: single nucleotide variant.
Coding change: c.2034+24C>T on transcript NM_000093.5 (MANE Select); 24 bases into the intron after coding-DNA position 2034, C replaced by T.
Molecular consequence: intron variant.
Genome position (GRCh38, 1-based): chr9:134,763,761, C>T. VCF-style: chr9-134763761-C-T. GRCh37 (hg19) VCF-style: chr9-137655607-C-T.
Other names: c.2034+24C>T (NM_001278074.1).
Identifiers: ClinVar variation 255060 (VCV000255060.4), dbSNP rs41298367, ClinGen allele CA5319114.

ClinVar aggregate classification (germline): Benign/Likely benign. Review status: criteria provided, multiple submitters, no conflicts (2 of 4 stars). 5 submissions from 4 submitters: Benign (3); Likely benign (2). Last evaluated 2022-03-15.

Conditions:
Fibromuscular dysplasia, multifocal. Identifiers: MedGen C5543412, MONDO:0859151, OMIM 619329.
Ehlers-Danlos syndrome, classic type, 1 (EDSCL1). Also called: Ehlers-Danlos Syndrome, Classic Type, COL5A1-Related; EHLERS-DANLOS SYNDROME, GRAVIS TYPE; EHLERS-DANLOS SYNDROME, SEVERE CLASSIC TYPE; Ehlers-Danlos syndrome, type 1; EDS I. Identifiers: MedGen C0268335, MONDO:0019567, OMIM 130000.

Allele frequency attached by ClinVar (database versions not stated): gnomAD 0.02041 and 0.01987; 1000 Genomes Project 0.01158; gnomAD exomes 0.02661 and 0.01943; 1000 Genomes Project 30x 0.01187; ESP Exome Variant Server 0.01976; ExAC 0.02031; TOPMed 0.01676.
gnomAD v4.1: 41,509 of 1,609,602 alleles (2.6%); highest among the groups gnomAD compares: Non-Finnish European, 3.1%; 673 homozygotes.

Submissions (5):

Genome-Nilou Lab
Classification: Benign for Ehlers-Danlos syndrome, classic type, 1. Last evaluated: 2022-03-15. Review status: criteria provided, single submitter. Criteria: ACMG Guidelines, 2015. Collection method: clinical testing. Allele origin: germline. Affected: no.

Genome-Nilou Lab
Classification: Benign for Fibromuscular dysplasia, multifocal. Last evaluated: 2022-03-15. Review status: criteria provided, single submitter. Criteria: ACMG Guidelines, 2015. Collection method: clinical testing. Allele origin: germline. Affected: no.

GeneDx
Classification: Likely benign. Last evaluated: 2018-06-14. Review status: criteria provided, single submitter. Criteria: GeneDx Variant Classification (06012015). Collection method: clinical testing. Allele origin: germline. Affected: yes.
Comment: This variant is considered likely benign or benign based on one or more of the following criteria: it is a conservative change, it occurs at a poorly conserved position in the protein, it is predicted to be benign by multiple in silico algorithms, and/or has population frequency not consistent with disease.

Breakthrough Genomics
Classification: Likely benign. Review status: criteria provided, single submitter. Criteria: ACMG Guidelines, 2015. Collection method: not provided. Allele origin: germline. Inheritance: Autosomal dominant inheritance. Affected: yes.

PreventionGenetics, part of Exact Sciences
Classification: Benign. Review status: criteria provided, single submitter. Criteria: ACMG Guidelines, 2015. Collection method: clinical testing. Allele origin: germline.